The following is an entry in ClinVar:

NM_007194.4(CHEK2):c.343T>A (p.Phe115Ile)

Gene: CHEK2 (checkpoint kinase 2; minus strand). Cytogenetic location: 22q12.1.
Variant type: single nucleotide variant.
Coding change: c.343T>A on transcript NM_007194.4 (MANE Select); coding-DNA position 343, T replaced by A.
Protein change: p.Phe115Ile; replaces phenylalanine 115 with isoleucine.
Molecular consequence: missense variant.
Genome position (GRCh38, 1-based): chr22:28,725,344, A>T on the plus strand (T>A on the coding strand, the complement: CHEK2 is on the minus strand). VCF-style: chr22-28725344-A-T. GRCh37 (hg19) VCF-style: chr22-29121332-A-T.
Other names: c.472T>A, p.Phe158Ile (NM_001005735.3); c.-435T>A (NM_001257387.3); c.343T>A, p.Phe115Ile (NM_001349956.3, NM_145862.3); short protein forms F115I, F158I.
Identifiers: ClinVar variation 410021 (VCV000410021.15), dbSNP rs1060502695, ClinGen allele CA16616347.

ClinVar aggregate classification (germline): Uncertain significance. Review status: criteria provided, multiple submitters, no conflicts (2 of 4 stars). 2 submissions from 2 submitters: Uncertain significance (2). Last evaluated 2024-08-09.

Conditions:
Hereditary cancer-predisposing syndrome. Also called: Tumor predisposition; Hereditary Cancer Syndrome; Hereditary neoplastic syndrome; Neoplastic Syndromes, Hereditary. Identifiers: Orphanet 140162, MedGen C0027672, MeSH D009386, MONDO:0015356.
Familial cancer of breast. Also called: BREAST CANCER, FAMILIAL; Hereditary breast cancer; hereditary breast carcinoma. Identifiers: Orphanet 227535, MedGen C0346153, MONDO:0016419, OMIM 114480. Disease mechanism: loss of function.

Submissions (2):

Labcorp Genetics (formerly Invitae), Labcorp
Classification: Uncertain significance for Familial cancer of breast. Last evaluated: 2024-08-09. Review status: criteria provided, single submitter. Criteria: Invitae Variant Classification Sherloc (09022015). Collection method: clinical testing. Allele origin: germline.
Comment: This sequence change replaces phenylalanine, which is neutral and non-polar, with isoleucine, which is neutral and non-polar, at codon 115 of the CHEK2 protein (p.Phe115Ile). This variant is not present in population databases (gnomAD no frequency). This variant has not been reported in the literature in individuals affected with CHEK2-related conditions. ClinVar contains an entry for this variant (Variation ID: 410021). An algorithm developed to predict the effect of missense changes on protein structure and function (PolyPhen-2) suggests that this variant is likely to be disruptive. In summary, the available evidence is currently insufficient to determine the role of this variant in disease. Therefore, it has been classified as a Variant of Uncertain Significance.

Ambry Genetics
Classification: Uncertain significance for Hereditary cancer-predisposing syndrome. Last evaluated: 2024-04-11. Review status: criteria provided, single submitter. Criteria: Ambry Variant Classification Scheme 2023. Collection method: clinical testing. Allele origin: germline.
Comment: The p.F115I variant (also known as c.343T>A), located in coding exon 2 of the CHEK2 gene, results from a T to A substitution at nucleotide position 343. The phenylalanine at codon 115 is replaced by isoleucine, an amino acid with highly similar properties. This amino acid position is highly conserved in available vertebrate species. In addition, the in silico prediction for this alteration is inconclusive. Based on the available evidence, the clinical significance of this variant remains unclear.